The following is an entry in ClinVar:

ClinVar aggregate classification (germline): Uncertain significance (1 of 4 stars; one submission).

Submission:

Labcorp Genetics (formerly Invitae), Labcorp
Classification: Uncertain significance. Last evaluated: 2022-06-13. Review status: criteria provided, single submitter. Criteria: Invitae Variant Classification Sherloc (09022015). Collection method: clinical testing. Allele origin: germline.
Comment: This sequence change replaces arginine, which is basic and polar, with methionine, which is neutral and non-polar, at codon 181 of the SPARC protein (p.Arg181Met). This variant is not present in population databases (gnomAD no frequency). In summary, the available evidence is currently insufficient to determine the role of this variant in disease. Therefore, it has been classified as a Variant of Uncertain Significance. Algorithms developed to predict the effect of missense changes on protein structure and function (SIFT, PolyPhen-2, Align-GVGD) all suggest that this variant is likely to be disruptive. This variant has not been reported in the literature in individuals affected with SPARC-related conditions.

NM_003118.4(SPARC):c.542G>T (p.Arg181Met)

Gene: SPARC (secreted protein acidic and cysteine rich; minus strand). Cytogenetic location: 5q33.1.
Variant type: single nucleotide variant.
Coding change: c.542G>T on transcript NM_003118.4 (MANE Select); coding-DNA position 542, G replaced by T.
Protein change: p.Arg181Met; replaces arginine 181 with methionine.
Molecular consequence: missense variant.
Genome position (GRCh38, 1-based): chr5:151,667,510, C>A on the plus strand (G>T on the coding strand, the complement: SPARC is on the minus strand). VCF-style: chr5-151667510-C-A. GRCh37 (hg19) VCF-style: chr5-151047071-C-A.
Other names: c.539G>T, p.Arg180Met (NM_001309443.2); c.542G>T, p.Arg181Met (NM_001309444.2); short protein forms R181M, R180M.
Identifiers: ClinVar variation 2005907 (VCV002005907.4), dbSNP rs2480202686, ClinGen allele CA361832138.
Genomic context (GRCh38, chr5:151,667,510, plus strand): 5'-CCAGAGAGACCACTTACCCGCAGCTTCTGCTTCTCAGTCAGAAGGTTGTTGTCCTCATCC[C>A]TCTCATACAGGGTGACCAGGACGTTCTTGAGCCAGTCCCGCATGCGCAGGGGGAATTCGG-3'
Protein context (NP_003109.1, residues 171-191): LKNVLVTLYE[Arg181Met]DEDNNLLTEK